The following is an entry in ClinVar:

NM_000090.4(COL3A1):c.1550C>A (p.Pro517His)

Gene: COL3A1 (collagen type III alpha 1 chain; plus strand). Cytogenetic location: 2q32.2.
Variant type: single nucleotide variant.
Coding change: c.1550C>A on transcript NM_000090.4 (MANE Select); coding-DNA position 1550, C replaced by A.
Protein change: p.Pro517His; replaces proline 517 with histidine.
Molecular consequence: missense variant.
Genome position (GRCh38, 1-based): chr2:188,995,732, C>A. VCF-style: chr2-188995732-C-A. GRCh37 (hg19) VCF-style: chr2-189860458-C-A.
Other names: short protein forms P517H.
Identifiers: ClinVar variation 1423708 (VCV001423708.6), dbSNP rs142085247, ClinGen allele CA074459.

ClinVar aggregate classification (germline): Uncertain significance. Review status: criteria provided, multiple submitters, no conflicts (2 of 4 stars). 2 submissions from 2 submitters: Uncertain significance (2). Last evaluated 2024-10-15.

Conditions:
Familial thoracic aortic aneurysm and aortic dissection (TAAD). Also called: Thoracic aortic aneurysms and dissections. Identifiers: Orphanet 91387, MedGen C4707243, MONDO:0019625.
Ehlers-Danlos syndrome, type 4 (EDSVASC). Also called: Ehlers-Danlos syndrome vascular type; Ehlers Danlos syndrome, ecchymotic type; Ehlers Danlos syndrome, arterial type; Ehlers Danlos syndrome, Sack-Barabas type; Ehlers-Danlos Syndrome Type IV. Identifiers: Orphanet 286, MedGen C0268338, MONDO:0017314, OMIM 130050.

gnomAD v4.1: 16 of 1,565,876 alleles (0.001%); highest among the groups gnomAD compares: South Asian, 0.016%; no homozygotes.

Submissions (2):

Color Diagnostics, LLC DBA Color Health
Classification: Uncertain significance for Familial thoracic aortic aneurysm and aortic dissection. Last evaluated: 2024-10-15. Review status: criteria provided, single submitter. Criteria: ACMG Guidelines, 2015. Collection method: clinical testing. Allele origin: germline.
Comment: This missense variant replaces proline with histidine at codon 517 of the COL3A1 protein. Computational prediction suggests that this variant may have deleterious impact on protein structure and function. To our knowledge, functional studies have not been reported for this variant. This variant has not been reported in individuals affected with COL3A1-related disorders in the literature. This variant has been identified in 7/175832 chromosomes in the general population by the Genome Aggregation Database (gnomAD). The available evidence is insufficient to determine the role of this variant in disease conclusively. Therefore, this variant is classified as a Variant of Uncertain Significance.

Labcorp Genetics (formerly Invitae), Labcorp
Classification: Uncertain significance for Ehlers-Danlos syndrome, type 4. Last evaluated: 2021-08-27. Review status: criteria provided, single submitter. Criteria: Invitae Variant Classification Sherloc (09022015). Collection method: clinical testing. Allele origin: germline.
Comment: This sequence change replaces proline with histidine at codon 517 of the COL3A1 protein (p.Pro517His). The proline residue is highly conserved and there is a moderate physicochemical difference between proline and histidine. This variant is present in population databases (rs142085247, ExAC 0.08%). This variant has not been reported in the literature in individuals affected with COL3A1-related conditions. Advanced modeling of protein sequence and biophysical properties (such as structural, functional, and spatial information, amino acid conservation, physicochemical variation, residue mobility, and thermodynamic stability) performed at Invitae indicates that this missense variant is not expected to disrupt COL3A1 protein function. In summary, the available evidence is currently insufficient to determine the role of this variant in disease. Therefore, it has been classified as a Variant of Uncertain Significance.